The following is an entry in ClinVar:

ClinVar aggregate classification (germline): Likely benign. Review status: criteria provided, single submitter (1 of 4 stars). 2 submissions from 2 submitters: Likely benign (1). 1 of the submissions does not count toward it. Last evaluated 2018-03-30.

Conditions:
CRIM1-related disorder. Also called: CRIM1-related condition.

Allele frequency attached by ClinVar (database versions not stated): gnomAD 0.00005 and 0.00006; gnomAD exomes 0.00010 and 0.00045; TOPMed 0.00026; ExAC 0.00028.
gnomAD v4.1: 151 of 1,610,358 alleles (0.0094%); highest among the groups gnomAD compares: Admixed American, 0.23%; 1 homozygote.

Submissions (2):

Labcorp Genetics (formerly Invitae), Labcorp
Classification: Likely benign. Last evaluated: 2018-03-30. Review status: criteria provided, single submitter. Criteria: Invitae Variant Classification Sherloc (09022015). Collection method: clinical testing. Allele origin: germline.

PreventionGenetics, part of Exact Sciences
Classification: Likely benign for CRIM1-related condition. Last evaluated: 2023-03-28. Review status: no assertion criteria provided. Collection method: clinical testing. Allele origin: germline. Not counted in ClinVar's aggregate classification.
Comment: This variant is classified as likely benign based on ACMG/AMP sequence variant interpretation guidelines (Richards et al. 2015 PMID: 25741868, with internal and published modifications).

NM_016441.3(CRIM1):c.2929A>G (p.Thr977Ala)

Gene: CRIM1 (cysteine rich transmembrane BMP regulator 1). Cytogenetic location: 2p22.2.
Variant type: single nucleotide variant.
Coding change: c.2929A>G on transcript NM_016441.3 (MANE Select); coding-DNA position 2929, A replaced by G.
Protein change: p.Thr977Ala; replaces threonine 977 with alanine.
Molecular consequence: missense variant.
Genome position (GRCh38, 1-based): chr2:36,547,166, A>G. VCF-style: chr2-36547166-A-G. GRCh37 (hg19) VCF-style: chr2-36774309-A-G.
Other names: short protein forms T977A.
Identifiers: ClinVar variation 739188 (VCV000739188.5), dbSNP rs755591519, ClinGen allele CA1610681.
Genomic context (GRCh38, chr2:36,547,166, plus strand): 5'-TTCCTATTCATCAATCAGAAGAAACAGTGGATACCACTGCTTTGCTGGTATCGAACACCA[A>G]CTAAGGTACTGTCTTGCAAAAGTTAGTCTCTTGAATGATGAATCTAGGAAAACTTACACT-3'
Protein context (NP_057525.1, residues 967-987): IPLLCWYRTP[Thr977Ala]KPSSLNNQLV